The following is an entry in ClinVar:

NM_000129.4(F13A1):c.1504G>A (p.Gly502Arg)

Gene: F13A1 (coagulation factor XIII A chain; minus strand). Cytogenetic location: 6p25.1.
Variant type: single nucleotide variant.
Coding change: c.1504G>A on transcript NM_000129.4 (MANE Select); coding-DNA position 1504, G replaced by A.
Protein change: p.Gly502Arg; replaces glycine 502 with arginine.
Molecular consequence: missense variant.
Genome position (GRCh38, 1-based): chr6:6,174,823, C>T on the plus strand (G>A on the coding strand, the complement: F13A1 is on the minus strand). VCF-style: chr6-6174823-C-T. GRCh37 (hg19) VCF-style: chr6-6175056-C-T.
Other names: F13A1, GLY501ARG; G501R; short protein forms G502R.
Identifiers: ClinVar variation 16528 (VCV000016528.3), dbSNP rs121913068, ClinGen allele CA126624.

ClinVar aggregate classification (germline): Uncertain significance. Review status: criteria provided, multiple submitters, no conflicts (2 of 4 stars). 3 submissions from 3 submitters: Uncertain significance (2). 1 of the submissions does not count toward it. Last evaluated 2025-04-19.

Conditions:
Factor XIII, A subunit, deficiency of. Also called: Factor XIII subunit A deficiency. Identifiers: Orphanet 331, MedGen C2750514, MONDO:0013187, OMIM 613225, HP:0040233.

Allele frequency attached by ClinVar (database versions not stated): gnomAD exomes 0.00002 and 0.00001; gnomAD 0.00003 and 0.00004; ExAC 0.00001; TOPMed 0.00003.
gnomAD v4.1: 30 of 1,613,992 alleles (0.0019%); highest among the groups gnomAD compares: African/African-American, 0.0053%; no homozygotes.

Submissions (3):

GeneDx
Classification: Uncertain significance. Last evaluated: 2025-04-19. Review status: criteria provided, single submitter. Criteria: GeneDx Variant Classification Process June 2021. Collection method: clinical testing. Allele origin: germline. Affected: yes.
Comment: Observed in homozygous state or with a second F13A1 variant, phase unknown, in patients with factor XIIIA deficiency in the literature and not observed in homozygous state in controls (PMID: 28520207, 35975501); Please note this variant is referred to as p.(G501R) using alternate nomenclature (PMID: 7727776); In silico analysis supports that this missense variant has a deleterious effect on protein structure/function; This variant is associated with the following publications: (PMID: 7727776, 8130686, 28520207, 35975501)

Women's Health and Genetics/Laboratory Corporation of America, LabCorp
Classification: Uncertain significance. Last evaluated: 2022-11-15. Review status: criteria provided, single submitter. Criteria: LabCorp Variant Classification Summary - May 2015. Collection method: clinical testing. Allele origin: germline.
Comment: Variant summary: F13A1 c.1504G>A (p.Gly502Arg) results in a non-conservative amino acid change in the encoded protein sequence. Five of five in-silico tools predict a damaging effect of the variant on protein function. The variant allele was found at a frequency of 8e-06 in 251462 control chromosomes (gnomAD). The available data on variant occurrences in the general population are insufficient to allow any conclusion about variant significance. c.1504G>A has been reported in the literature in heterozygous individuals affected with Factor XIIIA Deficiency (Board_1993, Cogfgan_1995). These reports do not provide unequivocal conclusions about association of the variant with Factor XIIIA Deficiency. At least one publication showed this variant was enzymatically active in fresh yeast lysate but it had thermal instability (Coggan_1995). No clinical diagnostic laboratories have submitted clinical-significance assessments for this variant to ClinVar after 2014. Based on the evidence outlined above, the variant was classified as uncertain significance.

OMIM
Classification: Pathogenic for FACTOR XIII, A SUBUNIT, DEFICIENCY OF. Last evaluated: 1995-05-01. Review status: no assertion criteria provided. Collection method: literature only. Allele origin: germline. Not counted in ClinVar's aggregate classification.

Literature cited by the submitters: PubMed 8130686 (cited by Women's Health and Genetics/Laboratory Corporation of America, LabCorp); PubMed 7727776 (cited by Women's Health and Genetics/Laboratory Corporation of America, LabCorp and OMIM); PubMed 7236530 (cited by OMIM).